The following is an entry in ClinVar:

NM_000492.4(CFTR):c.1522T>C (p.Phe508Leu)

Genes: CFTR-AS1 (CFTR antisense RNA 1; minus strand), CFTR (CF transmembrane conductance regulator; plus strand). Cytogenetic location: 7q31.2.
Variant type: single nucleotide variant.
Coding change: c.1522T>C on transcript NM_000492.4 (MANE Select); coding-DNA position 1522, T replaced by C.
Protein change: p.Phe508Leu; replaces phenylalanine 508 with leucine.
Molecular consequence: missense variant.
Genome position (GRCh38, 1-based): chr7:117,559,593, T>C. VCF-style: chr7-117559593-T-C. GRCh37 (hg19) VCF-style: chr7-117199647-T-C.
Other names: short protein forms F508L.
Identifiers: ClinVar variation 1331072 (VCV001331072.7), dbSNP rs753920616, ClinGen allele CA4451016.

ClinVar aggregate classification (germline): Uncertain significance (1 of 4 stars; one submission).

gnomAD v4.1: 8 of 1,573,730 alleles (0.00051%); highest among the groups gnomAD compares: South Asian, 0.0011%; no homozygotes.

Submission:

ARUP Laboratories, Molecular Genetics and Genomics, ARUP Laboratories
Classification: Uncertain significance. Last evaluated: 2021-05-19. Review status: criteria provided, single submitter. Criteria: ARUP Molecular Germline Variant Investigation Process 2021. Collection method: clinical testing. Allele origin: germline.
Comment: The CFTR c.1522T>C; p.Phe508Leu variant (rs753920616), to our knowledge, is not reported in the medical literature or gene specific databases. This variant is found in the non-Finnish European population with an allele frequency of 0.002% (2/113630 alleles) in the Genome Aggregation Database. The phenylalanine at codon 508 is highly conserved, and computational analyses predict that this variant is deleterious (REVEL: 0.936). However, given the lack of clinical and functional data, the significance of the p.Phe508Leu variant is uncertain at this time.